The following is an entry in ClinVar:

ClinVar aggregate classification (germline): Conflicting classifications of pathogenicity. Review status: criteria provided, conflicting classifications (1 of 4 stars). 14 submissions from 14 submitters: Uncertain significance (3); Benign (1); Likely benign (8). 2 of the submissions do not count toward it. Last evaluated 2026-03-24.

Conditions:
BARD1-related disorder. Also called: BARD1-related condition.
Hereditary cancer-predisposing syndrome. Also called: Tumor predisposition; Neoplastic Syndromes, Hereditary; Hereditary neoplastic syndrome; Hereditary Cancer Syndrome. Identifiers: Orphanet 140162, MedGen C0027672, MeSH D009386, MONDO:0015356.
Familial cancer of breast. Also called: BREAST CANCER, FAMILIAL; Hereditary breast cancer; hereditary breast carcinoma. Identifiers: Orphanet 227535, MedGen C0346153, MONDO:0016419, OMIM 114480. Disease mechanism: loss of function.
Malignant tumor of breast. Also called: Malignant breast neoplasm; Cancer breast. Identifiers: MedGen C0006142, MONDO:0007254. Disease mechanism: loss of function.

Allele frequency attached by ClinVar (database versions not stated): TOPMed 0.00009; 1000 Genomes Project 30x 0.00016; 1000 Genomes Project 0.00020; ESP Exome Variant Server 0.00023; gnomAD exomes 0.00025 and 0.00029; gnomAD 0.00027 and 0.00029; ExAC 0.00039.
gnomAD v4.1: 401 of 1,613,432 alleles (0.025%); highest among the groups gnomAD compares: Non-Finnish European, 0.022%; no homozygotes.

Submissions (14):

PreventionGenetics, part of Exact Sciences
Classification: Likely benign for BARD1-related condition. Last evaluated: 2026-03-24. Review status: criteria provided, single submitter. Criteria: ACMG Guidelines, 2015. Collection method: clinical testing. Allele origin: germline.
Comment: This variant is classified as likely benign based on ACMG/AMP sequence variant interpretation guidelines (Richards et al. 2015 PMID: 25741868, with internal and published modifications).

Labcorp Genetics (formerly Invitae), Labcorp
Classification: Likely benign for Familial cancer of breast. Last evaluated: 2026-02-04. Review status: criteria provided, single submitter. Criteria: Invitae Variant Classification Sherloc (09022015). Collection method: clinical testing. Allele origin: germline.

Center for Genomic Medicine, Rigshospitalet, Copenhagen University Hospital
Classification: Uncertain significance. Last evaluated: 2025-03-04. Review status: criteria provided, single submitter. Criteria: ACMG Guidelines, 2015. Collection method: clinical testing. Allele origin: germline.

Blueprint Genetics
Classification: Likely benign. Last evaluated: 2024-11-26. Review status: criteria provided, single submitter. Criteria: ACMG Guidelines, 2015. Collection method: clinical testing. Allele origin: germline.

Color Diagnostics, LLC DBA Color Health
Classification: Likely benign for Hereditary cancer-predisposing syndrome. Last evaluated: 2024-09-19. Review status: criteria provided, single submitter. Criteria: ACMG Guidelines, 2015. Collection method: clinical testing. Allele origin: germline.

Myriad Genetics, Inc.
Classification: Likely benign for Familial cancer of breast. Last evaluated: 2023-02-24. Review status: criteria provided, single submitter. Criteria: Myriad Autosomal Dominant, Autosomal Recessive and X-Linked Classification Criteria (2023). Collection method: clinical testing. Allele origin: unknown.
Comment: This variant is considered likely benign. This variant is strongly associated with less severe personal and family histories of cancer, typical for individuals without pathogenic variants in this gene [PMID: 25085752].

GeneDx
Classification: Likely benign. Last evaluated: 2021-07-02. Review status: criteria provided, single submitter. Criteria: GeneDx Variant Classification Process June 2021. Collection method: clinical testing. Allele origin: germline. Affected: yes.
Comment: In silico analysis supports that this missense variant does not alter protein structure/function; This variant is associated with the following publications: (PMID: 23056176, 26350354, 26787654, 27720647, 28873162, 28726808, 28135145)

Sema4
Classification: Likely benign for Hereditary cancer-predisposing syndrome. Last evaluated: 2020-12-30. Review status: criteria provided, single submitter. Criteria: Sema4 Curation Guidelines. Collection method: curation. Allele origin: germline.

Mendelics
Classification: Uncertain significance for Familial cancer of breast. Last evaluated: 2019-05-28. Review status: criteria provided, single submitter. Criteria: Mendelics Assertion Criteria 2017. Collection method: clinical testing. Allele origin: unknown.

Women's Health and Genetics/Laboratory Corporation of America, LabCorp
Classification: Benign. Last evaluated: 2019-05-23. Review status: criteria provided, single submitter. Criteria: LabCorp Variant Classification Summary - May 2015. Collection method: clinical testing. Allele origin: germline.
Comment: Variant summary: BARD1 c.346C>T (p.His116Tyr) results in a conservative amino acid change in the encoded protein sequence. Four of five in-silico tools predict a benign effect of the variant on protein function. The variant allele was found at a frequency of 0.00031 in 282296 control chromosomes, predominantly at a frequency of 0.00033 within the Non-Finnish European subpopulation in the gnomAD database. The observed variant frequency within Non-Finnish European control individuals in the gnomAD database is approximately 1.32 fold of the estimated maximal expected allele frequency for a pathogenic variant in BARD1 causing Hereditary Breast and Ovarian Cancer phenotype (0.00025), strongly suggesting that the variant is a benign polymorphism found primarily in populations of Non-Finnish European origin. c.346C>T has been reported in the literature in individuals affected with Hereditary Breast and Ovarian Cancer, Colorectal Cancer, and pancreatic ductal adenocarcinoma (Lee_2015, Mu_2016, Tung_2015, Young_2016, Yurgelun_2017, Chaffee_2017). These report(s) do not provide unequivocal conclusions about association of the variant with Hereditary Breast and Ovarian Cancer. At least one publication reports experimental evidence evaluating an impact on protein function. These results showed no damaging effect of this variant (Lee_2015). Five ClinVar submissions from clinical diagnostic laboratories (evaluation after 2014) cites the variant three times as likely benign and twice as uncertain significance. Based on the evidence outlined above, the variant was classified as benign.

Ambry Genetics
Classification: Likely benign for Hereditary cancer-predisposing syndrome. Last evaluated: 2019-03-29. Review status: criteria provided, single submitter. Criteria: Ambry Variant Classification Scheme 2023. Collection method: clinical testing. Allele origin: germline.

Illumina Laboratory Services, Illumina
Classification: Uncertain significance for Familial cancer of breast. Last evaluated: 2017-04-28. Review status: criteria provided, single submitter. Criteria: ICSL Variant Classification Criteria 13 December 2019. Collection method: clinical testing. Allele origin: germline.

Counsyl
Classification: Uncertain significance for Familial cancer of breast. Last evaluated: 2018-04-17. Review status: no assertion criteria provided. Collection method: clinical testing. Allele origin: unknown. Not counted in ClinVar's aggregate classification.

Department of Pathology and Laboratory Medicine, Sinai Health System
Classification: Likely benign for Malignant tumor of breast. Review status: no assertion criteria provided. Collection method: clinical testing. Allele origin: unknown. Affected: yes. Study: The Canadian Open Genetics Repository (COGR). Not counted in ClinVar's aggregate classification.
Comment: The BARD1 p.His116Tyr variant was identified in 1 of 604 proband chromosomes (frequency: 0.002) from individuals with pancreatic cancer (Chaffee 2018). The variant was identified in dbSNP (rs144856889) as â€šÃ„Ãºwith other alleleâ€šÃ„Ã¹ and ClinVar (classified as likely benign by Invitae, Ambry Genetics, Integrated Genetics and Color; and as uncertain significance by Counsyl and GeneDx). The variant was identified in control databases in 88 of 282,296 chromosomes at a frequency of 0.0003 (Genome Aggregation Database Feb 27, 2017). The variant was observed in the following populations: Finnish in 42 of 25,062 chromosomes (freq: 0.002), Other in 3 of 7196 chromosomes (freq: 0.0004), and European in 42 of 128,918 chromosomes (freq: 0.0003), while the variant was not observed in the African, Latino, Ashkenazi Jewish, East Asian or South Asian populations. In vitro expression of the variant did not alter BARD1 protein levels and there was no observed effect on homology directed repair activity (Lee 2015). The p.His116 residue is conserved in in mammals but not in more distantly related organisms however computational analyses (PolyPhen-2, SIFT, AlignGVGD, BLOSUM, MutationTaster) do not suggest a high likelihood of impact to the protein; this information is not predictive enough to rule out pathogenicity. The variant occurs outside of the splicing consensus sequence and in silico or computational prediction software programs (SpliceSiteFinder, MaxEntScan, NNSPLICE, GeneSplicer) do not predict a difference in splicing. In summary, based on the above information, the clinical significance of this variant cannot be determined with certainty at this time although we would lean towards a more benign role for this variant. This variant is classified as likely benign.

Literature cited by the submitters: PubMed 25085752 (cited by Myriad Genetics, Inc.); PubMed 23056176 (cited by Women's Health and Genetics/Laboratory Corporation of America, LabCorp and Ambry Genetics); PubMed 26350354 (cited by Women's Health and Genetics/Laboratory Corporation of America, LabCorp and Ambry Genetics); PubMed 25186627 (cited by Women's Health and Genetics/Laboratory Corporation of America, LabCorp); PubMed 26787654 (cited by Women's Health and Genetics/Laboratory Corporation of America, LabCorp); PubMed 27720647 (cited by Women's Health and Genetics/Laboratory Corporation of America, LabCorp); PubMed 28135145 (cited by Women's Health and Genetics/Laboratory Corporation of America, LabCorp); PubMed 28726808 (cited by Women's Health and Genetics/Laboratory Corporation of America, LabCorp).

NM_000465.4(BARD1):c.346C>T (p.His116Tyr)

Gene: BARD1 (BRCA1 associated RING domain 1; minus strand). Cytogenetic location: 2q35.
Variant type: single nucleotide variant.
Coding change: c.346C>T on transcript NM_000465.4 (MANE Select); coding-DNA position 346, C replaced by T.
Protein change: p.His116Tyr; replaces histidine 116 with tyrosine.
Molecular consequence: missense variant. On other transcripts: non-coding transcript variant (1), intron variant (2).
Genome position (GRCh38, 1-based): chr2:214,792,315, G>A on the plus strand (C>T on the coding strand, the complement: BARD1 is on the minus strand). VCF-style: chr2-214792315-G-A. GRCh37 (hg19) VCF-style: chr2-215657039-G-A.
Other names: p.H116Y:CAT>TAT; c.289C>T, p.His97Tyr (NM_001282543.2); c.346C>T, p.His116Tyr (NM_001282549.2); c.158+17097C>T (NM_001282548.2); c.215+4746C>T (NM_001282545.2); short protein forms H116Y, H97Y.
Identifiers: ClinVar variation 142156 (VCV000142156.37), dbSNP rs144856889, ClinGen allele CA294279.